The following is an entry in ClinVar:

NM_004517.4(ILK):c.1079-10A>C

Genes: ILK (integrin linked kinase; plus strand), TAF10 (TATA-box binding protein associated factor 10; minus strand). Cytogenetic location: 11p15.4.
Variant type: single nucleotide variant.
Coding change: c.1079-10A>C on transcript NM_004517.4 (MANE Select); 10 bases into the intron before coding-DNA position 1079, A replaced by C.
Molecular consequence: intron variant. On other transcripts: 3 prime UTR variant (1).
Genome position (GRCh38, 1-based): chr11:6,610,138, A>C. VCF-style: chr11-6610138-A-C. GRCh37 (hg19) VCF-style: chr11-6631369-A-C.
Other names: c.*784T>G (NM_006284.4); c.1079-10A>C (NM_001014795.3, NM_001014794.3); c.896-10A>C (NM_001278441.2); c.677-10A>C (NM_001278442.2).
Identifiers: ClinVar variation 681788 (VCV000681788.15), dbSNP rs769283883, ClinGen allele CA5858282.

ClinVar aggregate classification (germline): Likely benign. Review status: criteria provided, multiple submitters, no conflicts (2 of 4 stars). 6 submissions from 6 submitters: Likely benign (3). 3 of the submissions do not count toward it. Last evaluated 2025-04-07.

Conditions:
ILK-related disorder. Also called: ILK-related condition.
Primary familial hypertrophic cardiomyopathy (HCM). Identifiers: Orphanet 99739, MedGen C0949658, MeSH D024741, MONDO:0024573. Inheritance: Various modes of inheritance.

Allele frequency attached by ClinVar (database versions not stated): ExAC 0.00005; TOPMed 0.00006.
gnomAD v4.1: 151 of 1,614,098 alleles (0.0094%); highest among the groups gnomAD compares: East Asian, 0.013%; no homozygotes.

Submissions (6):

Labcorp Genetics (formerly Invitae), Labcorp
Classification: Likely benign for Primary familial hypertrophic cardiomyopathy. Last evaluated: 2025-04-07. Review status: criteria provided, single submitter. Criteria: Invitae Variant Classification Sherloc (09022015). Collection method: clinical testing. Allele origin: germline.

Blueprint Genetics
Classification: Likely benign. Last evaluated: 2024-01-24. Review status: criteria provided, single submitter. Criteria: ACMG Guidelines, 2015. Collection method: clinical testing. Allele origin: germline.

GeneDx
Classification: Likely benign. Last evaluated: 2018-04-09. Review status: criteria provided, single submitter. Criteria: GeneDx Variant Classification (06012015). Collection method: clinical testing. Allele origin: germline. Affected: yes.
Comment: This variant is considered likely benign or benign based on one or more of the following criteria: it is a conservative change, it occurs at a poorly conserved position in the protein, it is predicted to be benign by multiple in silico algorithms, and/or has population frequency not consistent with disease.

PreventionGenetics, part of Exact Sciences
Classification: Likely benign for ILK-related condition. Last evaluated: 2019-05-27. Review status: no assertion criteria provided. Collection method: clinical testing. Allele origin: germline. Not counted in ClinVar's aggregate classification.
Comment: This variant is classified as likely benign based on ACMG/AMP sequence variant interpretation guidelines (Richards et al. 2015 PMID: 25741868, with internal and published modifications).

Clinical Genetics DNA and cytogenetics Diagnostics Lab, Erasmus MC, Erasmus Medical Center
Classification: Benign. Review status: no assertion criteria provided. Collection method: clinical testing. Allele origin: germline. Affected: yes. Study: VKGL Data-share Consensus. Not counted in ClinVar's aggregate classification.

Genome Diagnostics Laboratory, University Medical Center Utrecht
Classification: Likely benign. Review status: no assertion criteria provided. Collection method: clinical testing. Allele origin: germline. Affected: yes. Study: VKGL Data-share Consensus. Not counted in ClinVar's aggregate classification.